The following is an entry in ClinVar:

ClinVar aggregate classification (germline): Pathogenic (1 of 4 stars; one submission).

Conditions:
Neurofibromatosis, type 2 (SWNV). Also called: BILATERAL ACOUSTIC NEUROFIBROMATOSIS; NF2-Related Schwannomatosis; SCHWANNOMATOSIS, VESTIBULAR. Identifiers: Orphanet 637, MedGen C0027832, MONDO:0007039, OMIM 101000. Disease mechanism: loss of function.

Submission:

Center for Human Genetics and Genomic Medicine, Uniklinik Rwth Aachen
Classification: Pathogenic for Neurofibromatosis, type 2. Last evaluated: 2026-03-26. Review status: criteria provided, single submitter. Criteria: ACMG Guidelines, 2015. Collection method: clinical testing. Allele origin: de novo. Affected: yes. Observed: 1 variant allele, 1 heterozygote.
Comment: Truncating variants in NF2 are considered being pathogenic. De novo with both maternity and paternity confirmed. Not in public databases (gnomAD v4.1.0). PVS1, PS2, PM2_Supporting

NM_000268.4(NF2):c.222G>A (p.Trp74Ter)

Gene: NF2 (NF2, moesin-ezrin-radixin like (MERLIN) tumor suppressor; plus strand). Cytogenetic location: 22q12.2.
Variant type: single nucleotide variant.
Coding change: c.222G>A on transcript NM_000268.4 (MANE Select); coding-DNA position 222, G replaced by A.
Protein change: p.Trp74Ter; replaces tryptophan 74 with a stop codon.
Molecular consequence: nonsense. On other transcripts: 5 prime UTR variant (2), intron variant (6).
Genome position (GRCh38, 1-based): chr22:29,636,858, G>A. VCF-style: chr22-29636858-G-A. GRCh37 (hg19) VCF-style: chr22-30032847-G-A.
Other names: c.108G>A, p.Trp36Ter (NM_001407053.1, NM_001407056.1); c.222G>A, p.Trp74Ter (NM_001407054.1, NM_001407057.1, NM_001407058.1 and 9 more transcripts); c.-419G>A (NM_001407065.1); c.-35G>A (NM_001407067.1); c.115-2232G>A (NM_181828.3, NM_001407055.1); c.115-5344G>A (NM_001407063.1, NM_181830.3, NM_001407064.1 and 1 more transcripts); short protein forms W36*, W74*.
Identifiers: ClinVar variation 4820249 (VCV004820249.1).